The following is an entry in ClinVar:

ClinVar aggregate classification (germline): Benign. Review status: criteria provided, multiple submitters, no conflicts (2 of 4 stars). 4 submissions from 4 submitters: Benign (4). Last evaluated 2026-04-14.

Conditions:
Familial intrahepatic cholestasis. Identifiers: Orphanet 284385, MedGen CN296401, MONDO:0017290.

Allele frequency attached by ClinVar (database versions not stated): 1000 Genomes Project 30x 0.16302; 1000 Genomes Project 0.16494; TOPMed 0.19046; gnomAD 0.20245 and 0.20469; ESP Exome Variant Server 0.21359; gnomAD exomes 0.22756 and 0.25041; ExAC 0.22865.
gnomAD v4.1: 384,282 of 1,565,946 alleles (25%); highest among the groups gnomAD compares: South Asian, 29%; 49,599 homozygotes.

Submissions (4):

Genomenon, Inc
Classification: Benign for Familial intrahepatic cholestasis. Last evaluated: 2026-04-14. Review status: criteria provided, single submitter. Criteria: Genomenon Sequence Variant Interpretation Standards - Updated. Collection method: curation. Allele origin: germline. Affected: no.
Comment: ATP8B1 c.2285+29C>T is an intronic variant located in intron 20. This variant is present at high allele frequency in population databases. In conclusion, we classify ATP8B1 c.2285+29C>T as a benign variant.

Mayo Clinic Laboratories, Mayo Clinic
Classification: Benign. Last evaluated: 2022-05-05. Review status: criteria provided, single submitter. Criteria: ACMG Guidelines, 2015. Collection method: clinical testing. Allele origin: germline. Observed: 180 variant alleles.

GeneDx
Classification: Benign. Last evaluated: 2018-06-23. Review status: criteria provided, single submitter. Criteria: GeneDx Variant Classification Process June 2021. Collection method: clinical testing. Allele origin: germline. Affected: yes.

Breakthrough Genomics
Classification: Benign. Review status: criteria provided, single submitter. Criteria: ACMG Guidelines, 2015. Collection method: not provided. Allele origin: germline. Inheritance: Autosomal recessive inheritance. Affected: yes.

NM_001374385.1(ATP8B1):c.2285+29C>T

Genes: ATP8B1 (ATPase phospholipid transporting 8B1; minus strand), ATP8B1-AS1 (ATP8B1 antisense RNA 1; plus strand). Cytogenetic location: 18q21.31.
Variant type: single nucleotide variant.
Coding change: c.2285+29C>T on transcript NM_001374385.1 (MANE Select); 29 bases into the intron after coding-DNA position 2285, C replaced by T.
Molecular consequence: intron variant.
Genome position (GRCh38, 1-based): chr18:57,667,063, G>A on the plus strand (C>T on the coding strand, the complement: ATP8B1 is on the minus strand). VCF-style: chr18-57667063-G-A. GRCh37 (hg19) VCF-style: chr18-55334295-G-A.
Other names: p.?; c.2285+29C>T (NM_005603.6); c.2135+29C>T (NM_001374386.1).
Identifiers: ClinVar variation 1280505 (VCV001280505.4), dbSNP rs4306606, ClinGen allele CA8974303.